The following is an entry in ClinVar:

NM_005751.5(AKAP9):c.10766T>G (p.Leu3589Arg)

Gene: AKAP9 (A-kinase anchoring protein 9; plus strand). Cytogenetic location: 7q21.2.
Variant type: single nucleotide variant.
Coding change: c.10766T>G on transcript NM_005751.5 (MANE Select); coding-DNA position 10766, T replaced by G.
Protein change: p.Leu3589Arg; replaces leucine 3589 with arginine.
Molecular consequence: missense variant.
Genome position (GRCh38, 1-based): chr7:92,099,739, T>G. VCF-style: chr7-92099739-T-G. GRCh37 (hg19) VCF-style: chr7-91729053-T-G.
Other names: c.5411T>G, p.Leu1804Arg (NM_001379277.1); c.10742T>G, p.Leu3581Arg (NM_147185.3); short protein forms L1804R, L3581R, L3589R.
Identifiers: ClinVar variation 2449736 (VCV002449736.2), dbSNP rs1817210905, ClinGen allele CA368158511.

ClinVar aggregate classification (germline): Uncertain significance (1 of 4 stars; one submission).

Conditions:
Cardiovascular phenotype. Identifiers: MedGen CN230736.

Submission:

Ambry Genetics
Classification: Uncertain significance for Cardiovascular phenotype. Last evaluated: 2022-11-17. Review status: criteria provided, single submitter. Criteria: Ambry Variant Classification Scheme 2023. Collection method: clinical testing. Allele origin: germline.
Comment: The p.L3589R variant (also known as c.10766T>G), located in coding exon 44 of the AKAP9 gene, results from a T to G substitution at nucleotide position 10766. The leucine at codon 3589 is replaced by arginine, an amino acid with dissimilar properties. This amino acid position is conserved. In addition, this alteration is predicted to be tolerated by in silico analysis. Since supporting evidence is limited at this time, the clinical significance of this alteration remains unclear.